The following is an entry in ClinVar:

ClinVar aggregate classification (germline): Pathogenic/Likely pathogenic. Review status: criteria provided, multiple submitters, no conflicts (2 of 4 stars). 2 submissions from 2 submitters: Pathogenic (1); Likely pathogenic (1). Last evaluated 2026-03-25.

Conditions:
Poirier-Bienvenu neurodevelopmental syndrome (POBINDS). Identifiers: Orphanet 689397, MedGen C5231482, MONDO:0032889, OMIM 618732.

Submissions (2):

GeneDx
Classification: Likely pathogenic. Last evaluated: 2026-03-25. Review status: criteria provided, single submitter. Criteria: GeneDx Variant Classification Process June 2021. Collection method: clinical testing. Allele origin: germline.
Comment: Not observed at significant frequency in large population cohorts (gnomAD); In silico analysis supports that this missense variant has a deleterious effect on protein structure/function; This variant is associated with the following publications: (PMID: 36310603, 37152996)

Equipe Genetique des Anomalies du Developpement, Université de Bourgogne
Classification: Pathogenic for Poirier-Bienvenu neurodevelopmental syndrome. Last evaluated: 2020-06-26. Review status: criteria provided, single submitter. Criteria: ACMG Guidelines, 2015. Collection method: research. Allele origin: de novo. Affected: yes.

NM_001320.7(CSNK2B):c.560T>C (p.Leu187Pro)

Gene: CSNK2B (casein kinase 2 beta; plus strand). Cytogenetic location: 6p21.33.
Variant type: single nucleotide variant.
Coding change: c.560T>C on transcript NM_001320.7 (MANE Select); coding-DNA position 560, T replaced by C.
Protein change: p.Leu187Pro; replaces leucine 187 with proline.
Molecular consequence: missense variant.
Genome position (GRCh38, 1-based): chr6:31,669,838, T>C. VCF-style: chr6-31669838-T-C. GRCh37 (hg19) VCF-style: chr6-31637615-T-C.
Other names: c.551T>C, p.Leu184Pro (NM_001282385.2); c.560T>C (NM_001320.6); short protein forms L184P, L187P.
Identifiers: ClinVar variation 982375 (VCV000982375.3), dbSNP rs1802055133, ClinGen allele CA363479393.
Genomic context (GRCh38, chr6:31,669,838, plus strand): 5'-CTGGCAGGGCCTGGATGGGGCTCATGCTGCTGCCTCTCTGACCTCTGCCCTGGCCTAGGC[T>C]CTACGGTTTCAAGATCCATCCGATGGCCTACCAGCTGCAGCTCCAAGCCGCCAGCAACTT-3'
Protein context (NP_001311.3, residues 177-197): KRPANQFVPR[Leu187Pro]YGFKIHPMAY